The following is an entry in ClinVar:

ClinVar aggregate classification (germline): Uncertain significance (1 of 4 stars; one submission).

Conditions:
Hereditary cancer-predisposing syndrome. Also called: Hereditary Cancer Syndrome; Hereditary neoplastic syndrome; Neoplastic Syndromes, Hereditary; Tumor predisposition. Identifiers: Orphanet 140162, MedGen C0027672, MeSH D009386, MONDO:0015356.

Submission:

Ambry Genetics
Classification: Uncertain significance for Hereditary cancer-predisposing syndrome. Last evaluated: 2026-07-30. Review status: criteria provided, single submitter. Criteria: Ambry Variant Classification Scheme 2023. Collection method: clinical testing. Allele origin: germline.
Comment: The c.4022_4023delTT variant, located in coding exon 27 of the ALK gene, results from a deletion of two nucleotides at nucleotide positions 4022 to 4023, causing a translational frameshift with a predicted alternate stop codon (p.F1341Cfs*30). This variant occurs at the 3' terminus of the gene and is not expected to trigger nonsense-mediated mRNA decay. Based on the available evidence, the clinical significance of this variant remains unclear.

NM_004304.5(ALK):c.4022_4023del (p.Phe1341fs)

Gene: ALK (ALK receptor tyrosine kinase; minus strand). Cytogenetic location: 2p23.2.
Variant type: Deletion.
Coding change: c.4022_4023del on transcript NM_004304.5 (MANE Select); coding-DNA positions 4022 to 4023, 2 bases deleted (TT; older notation c.4022_4023delTT).
Protein change: p.Phe1341fs; shifts the reading frame from phenylalanine 1341.
Molecular consequence: frameshift variant.
Genome position (GRCh38, 1-based): chr2:29,197,592-29,197,593, AA deleted on the plus strand (TT on the coding strand, the reverse complement: ALK is on the minus strand); deleting any 2 consecutive bases within chr2:29,197,592-29,197,594 gives the same sequence; the c. name uses the placement nearest the transcript's 3' end. VCF-style (leftmost placement, unchanged base first): chr2-29197591-CAA-C. GRCh37 (hg19) VCF-style: chr2-29420457-CAA-C.
Other names: c.818_819del, p.Phe273fs (NM_001353765.2); short protein forms F1341fs, F273fs.
Identifiers: ClinVar variation 1737122 (VCV001737122.4), dbSNP rs2465882607, ClinGen allele CA2580066451.